The following is an entry in ClinVar:

ClinVar aggregate classification (germline): Conflicting classifications of pathogenicity. Review status: criteria provided, conflicting classifications (1 of 4 stars). 2 submissions from 2 submitters: Uncertain significance (1); Likely benign (1). Last evaluated 2025-11-24.

Conditions:
CEP290-related disorder. Also called: CEP290-related condition; CEP290-related disorders. Identifiers: MedGen CN239314.
Nephronophthisis. Also called: Juvenile Nephronophthisis. Identifiers: Orphanet 655, MedGen C0687120, MONDO:0019005, HP:0000090.
Meckel-Gruber syndrome. Also called: DYSENCEPHALIA SPLANCHNOCYSTICA; GRUBER SYNDROME; Dysencephalia splachnocystica. Identifiers: Orphanet 564, MedGen C0265215, MONDO:0018921.
Joubert syndrome. Also called: JOUBERT-BOLTSHAUSER SYNDROME; Familial aplasia of the vermis. Identifiers: Orphanet 475, MedGen C5979921, MONDO:0018772.

Allele frequency attached by ClinVar (database versions not stated): gnomAD exomes below 0.00001 and 0.00001; TOPMed below 0.00001; ExAC 0.00004.
gnomAD v4.1: 6 of 1,460,566 alleles (0.00041%); highest among the groups gnomAD compares: Non-Finnish European, 0.00056%; no homozygotes.

Submissions (2):

PreventionGenetics, part of Exact Sciences
Classification: Likely benign for CEP290-related condition. Last evaluated: 2025-11-24. Review status: criteria provided, single submitter. Criteria: ACMG Guidelines, 2015. Collection method: clinical testing. Allele origin: germline.
Comment: This variant is classified as likely benign based on ACMG/AMP sequence variant interpretation guidelines (Richards et al. 2015 PMID: 25741868, with internal and published modifications).

Labcorp Genetics (formerly Invitae), Labcorp
Classification: Uncertain significance for Joubert syndrome; Meckel-Gruber syndrome; Nephronophthisis. Last evaluated: 2021-09-17. Review status: criteria provided, single submitter. Criteria: Invitae Variant Classification Sherloc (09022015). Collection method: clinical testing. Allele origin: germline.
Comment: This sequence change affects codon 2345 of the CEP290 mRNA. It is a 'silent' change, meaning that it does not change the encoded amino acid sequence of the CEP290 protein. This variant is present in population databases (rs760964107, ExAC 0.009%). This variant has not been reported in the literature in individuals with CEP290-related conditions. Algorithms developed to predict the effect of sequence changes on RNA splicing suggest that this variant may create or strengthen a splice site, but this prediction has not been confirmed by published transcriptional studies. In summary, the available evidence is currently insufficient to determine the role of this variant in disease. Therefore, it has been classified as a Variant of Uncertain Significance.

NM_025114.4(CEP290):c.7035A>G (p.Arg2345=)

Gene: CEP290 (centrosomal protein 290; minus strand). Cytogenetic location: 12q21.32.
Variant type: single nucleotide variant.
Coding change: c.7035A>G on transcript NM_025114.4 (MANE Select); coding-DNA position 7035, A replaced by G.
Protein change: p.Arg2345=; no amino-acid change (arginine 2345 retained).
Molecular consequence: synonymous variant.
Genome position (GRCh38, 1-based): chr12:88,053,746, T>C on the plus strand (A>G on the coding strand, the complement: CEP290 is on the minus strand). VCF-style: chr12-88053746-T-C. GRCh37 (hg19) VCF-style: chr12-88447523-T-C.
Other names: c.7035A>G (NM_025114.3).
Identifiers: ClinVar variation 1423041 (VCV001423041.6), dbSNP rs760964107, ClinGen allele CA6711363.